The following is an entry in ClinVar:

NM_003280.3(TNNC1):c.50A>C (p.Lys17Thr)

Gene: TNNC1 (troponin C1, slow skeletal and cardiac type; minus strand). Cytogenetic location: 3p21.1.
Variant type: single nucleotide variant.
Coding change: c.50A>C on transcript NM_003280.3 (MANE Select); coding-DNA position 50, A replaced by C.
Protein change: p.Lys17Thr; replaces lysine 17 with threonine.
Molecular consequence: missense variant.
Genome position (GRCh38, 1-based): chr3:52,452,488, T>G on the plus strand (A>C on the coding strand, the complement: TNNC1 is on the minus strand). VCF-style: chr3-52452488-T-G. GRCh37 (hg19) VCF-style: chr3-52486504-T-G.
Other names: short protein forms K17T.
Identifiers: ClinVar variation 1054050 (VCV001054050.5), dbSNP rs2153229989, ClinGen allele CA353169889.
Genomic context (GRCh38, chr3:52,452,488, plus strand): 5'-TCCCCATGCCAGCCTGGACCCGCTGGTCTCCCACATGTGTGATAGGGATTCTCACCATTT[T>G]TCTGCTCTTCTGTCAGCTGCTCTACCTAGAAAGGAAAGGGAATCTCAAGGCTCAGACTCA-3'
Protein context (NP_003271.1, residues 7-27): AAVEQLTEEQ[Lys17Thr]NEFKAAFDIF

ClinVar aggregate classification (germline): Uncertain significance (1 of 4 stars; one submission).

Conditions:
Dilated cardiomyopathy 1Z (CMD1Z). Identifiers: Orphanet 154, MedGen C2678475, MONDO:0012745, OMIM 611879.
Hypertrophic cardiomyopathy 13. Also called: TNNC1-Related Familial Hypertrophic Cardiomyopathy. Identifiers: MedGen C2750472, MONDO:0013195, OMIM 613243.

Submission:

Labcorp Genetics (formerly Invitae), Labcorp
Classification: Uncertain significance for Hypertrophic cardiomyopathy 13; Dilated cardiomyopathy 1Z. Last evaluated: 2020-08-26. Review status: criteria provided, single submitter. Criteria: Invitae Variant Classification Sherloc (09022015). Collection method: clinical testing. Allele origin: germline.
Comment: This variant is not present in population databases (ExAC no frequency). This variant has not been reported in the literature in individuals with TNNC1-related conditions. Algorithms developed to predict the effect of missense changes on protein structure and function are either unavailable or do not agree on the potential impact of this missense change (SIFT: "Tolerated"; PolyPhen-2: "Probably Damaging"; Align-GVGD: "Class C0"). In summary, the available evidence is currently insufficient to determine the role of this variant in disease. Therefore, it has been classified as a Variant of Uncertain Significance. This sequence change replaces lysine with threonine at codon 17 of the TNNC1 protein (p.Lys17Thr). The lysine residue is moderately conserved and there is a moderate physicochemical difference between lysine and threonine.